The following is an entry in ClinVar:

ClinVar aggregate classification (germline): Uncertain significance. Review status: criteria provided, multiple submitters, no conflicts (2 of 4 stars). 2 submissions from 2 submitters: Uncertain significance (2). Last evaluated 2022-07-11.

Conditions:
T-B+ severe combined immunodeficiency due to JAK3 deficiency. Also called: SCID, autosomal recessive, T-negative/B-positive type; SCID, T CELL-NEGATIVE, B CELL-POSITIVE, NK CELL-NEGATIVE. Identifiers: Orphanet 35078, MedGen C1833275, MONDO:0010938, OMIM 600802.

Allele frequency attached by ClinVar (database versions not stated): gnomAD 0.00015; 1000 Genomes Project 0.00020; TOPMed 0.00014; 1000 Genomes Project 30x 0.00031; gnomAD exomes 0.00007 and 0.00027; ExAC 0.00011.
gnomAD v4.1: 417 of 1,612,298 alleles (0.026%); highest among the groups gnomAD compares: Non-Finnish European, 0.033%; 1 homozygote.

Submissions (2):

Labcorp Genetics (formerly Invitae), Labcorp
Classification: Uncertain significance for T-B+ severe combined immunodeficiency due to JAK3 deficiency. Last evaluated: 2022-07-11. Review status: criteria provided, single submitter. Criteria: Invitae Variant Classification Sherloc (09022015). Collection method: clinical testing. Allele origin: germline.
Comment: This sequence change replaces proline, which is neutral and non-polar, with leucine, which is neutral and non-polar, at codon 12 of the JAK3 protein (p.Pro12Leu). This variant is present in population databases (rs56061056, gnomAD 0.01%). This variant has not been reported in the literature in individuals affected with JAK3-related conditions. ClinVar contains an entry for this variant (Variation ID: 328523). Advanced modeling of protein sequence and biophysical properties (such as structural, functional, and spatial information, amino acid conservation, physicochemical variation, residue mobility, and thermodynamic stability) performed at Invitae indicates that this missense variant is not expected to disrupt JAK3 protein function. In summary, the available evidence is currently insufficient to determine the role of this variant in disease. Therefore, it has been classified as a Variant of Uncertain Significance.

Illumina Laboratory Services, Illumina
Classification: Uncertain significance for T-B+ severe combined immunodeficiency due to JAK3 deficiency. Last evaluated: 2018-01-13. Review status: criteria provided, single submitter. Criteria: ICSL Variant Classification Criteria 13 December 2019. Collection method: clinical testing. Allele origin: germline.

NM_000215.4(JAK3):c.35C>T (p.Pro12Leu)

Gene: JAK3 (Janus kinase 3; minus strand). Cytogenetic location: 19p13.11.
Variant type: single nucleotide variant.
Coding change: c.35C>T on transcript NM_000215.4 (MANE Select); coding-DNA position 35, C replaced by T.
Protein change: p.Pro12Leu; replaces proline 12 with leucine.
Molecular consequence: missense variant.
Genome position (GRCh38, 1-based): chr19:17,844,383, G>A on the plus strand (C>T on the coding strand, the complement: JAK3 is on the minus strand). VCF-style: chr19-17844383-G-A. GRCh37 (hg19) VCF-style: chr19-17955192-G-A.
Other names: short protein forms P12L.
Identifiers: ClinVar variation 328523 (VCV000328523.8), dbSNP rs56061056, ClinGen allele CA9302282.